The following is an entry in ClinVar:

NC_000008.10:g.(?_87644970)_(87660125_?)del

Gene: CNGB3 (cyclic nucleotide gated channel subunit beta 3; minus strand). Cytogenetic location: 8q21.3.
Variant type: Deletion.
Identifiers: ClinVar variation 1066700 (VCV001066700.7).

ClinVar aggregate classification (germline): Likely pathogenic (1 of 4 stars; one submission).

Submission:

Labcorp Genetics (formerly Invitae), Labcorp
Classification: Likely pathogenic. Last evaluated: 2020-09-09. Review status: criteria provided, single submitter. Criteria: Invitae Variant Classification Sherloc (09022015). Collection method: clinical testing. Allele origin: germline.
Comment: This variant is an in-frame deletion of the genomic region encompassing exon(s) 8-11 of the CNGB3 gene. It preserves the integrity of the reading frame. This variant has not been reported in the literature in individuals with CNGB3-related conditions. This variant disrupts the p.Ser435 amino acid residue in CNGB3. Other variant(s) that disrupt this residue have been determined to be pathogenic (PMID: 10888875, 15657609, 10958649). This suggests that this residue is clinically significant, and that variants that disrupt this residue are likely to be disease-causing. In summary, the currently available evidence indicates that the variant is pathogenic, but additional data are needed to prove that conclusively. Therefore, this variant has been classified as Likely Pathogenic.

Literature cited by the submitters: PubMed 10888875; PubMed 15657609; PubMed 10958649.